The following is an entry in ClinVar:

ClinVar aggregate classification (germline): Conflicting classifications of pathogenicity. Review status: criteria provided, conflicting classifications (1 of 4 stars). 3 submissions from 3 submitters: Likely pathogenic (1); Uncertain significance (2). Last evaluated 2025-07-29.

Conditions:
Landsteiner-Wiener phenotype (LW). Also called: LW BLOOD GROUP SYSTEM, LW(a)/LW(b) POLYMORPHISM; LW BLOOD GROUP SYSTEM, LW(a-b-) PHENOTYPE; LANDSTEINER-WIENER BLOOD GROUP SYSTEM. Identifiers: MedGen C3887952, OMIM 111250.
Diamond-Blackfan anemia. Also called: Blackfan Diamond syndrome; Aregenerative anemia chronic congenital; Red cell aplasia, pure hereditary; Congenital hypoplastic anemia; Aase syndrome. Identifiers: Orphanet 124, MedGen C1260899, MeSH D029503, MONDO:0015253, HP:0004810.

Submissions (3):

GeneDx
Classification: Uncertain significance. Last evaluated: 2025-07-29. Review status: criteria provided, single submitter. Criteria: GeneDx Variant Classification Process June 2021. Collection method: clinical testing. Allele origin: germline. Affected: yes.
Comment: Not observed at significant frequency in large population cohorts (gnomAD); Missense variants in this gene are a common cause of disease and they are underrepresented in the general population; In silico analysis supports that this missense variant has a deleterious effect on protein structure/function; Has not been previously published as pathogenic or benign to our knowledge

Labcorp Genetics (formerly Invitae), Labcorp
Classification: Uncertain significance for Diamond-Blackfan anemia. Last evaluated: 2021-12-20. Review status: criteria provided, single submitter. Criteria: Invitae Variant Classification Sherloc (09022015). Collection method: clinical testing. Allele origin: germline.
Comment: This sequence change replaces valine, which is neutral and non-polar, with phenylalanine, which is neutral and non-polar, at codon 72 of the RPS19 protein (p.Val72Phe). This variant is not present in population databases (gnomAD no frequency). This variant has not been reported in the literature in individuals affected with RPS19-related conditions. ClinVar contains an entry for this variant (Variation ID: 803562). Algorithms developed to predict the effect of missense changes on protein structure and function are either unavailable or do not agree on the potential impact of this missense change (SIFT: "Deleterious"; PolyPhen-2: "Probably Damaging"; Align-GVGD: "Class C0"). In summary, the available evidence is currently insufficient to determine the role of this variant in disease. Therefore, it has been classified as a Variant of Uncertain Significance.

Mendelics
Classification: Likely pathogenic for Landsteiner-Wiener phenotype. Last evaluated: 2019-05-28. Review status: criteria provided, single submitter. Criteria: Mendelics Assertion Criteria 2017. Collection method: clinical testing. Allele origin: unknown.

NM_001022.4(RPS19):c.214G>T (p.Val72Phe)

Genes: RPS19 (ribosomal protein S19; plus strand), RPS19-CD79A (RPS19-CD79A readthrough; plus strand). Cytogenetic location: 19q13.2.
Variant type: single nucleotide variant.
Coding change: c.214G>T on transcript NM_001022.4 (MANE Select); coding-DNA position 214, G replaced by T.
Protein change: p.Val72Phe; replaces valine 72 with phenylalanine.
Molecular consequence: missense variant.
Genome position (GRCh38, 1-based): chr19:41,869,072, G>T. VCF-style: chr19-41869072-G-T. GRCh37 (hg19) VCF-style: chr19-42373142-G-T.
Other names: c.214G>T, p.Val72Phe (NM_001321483.2, NM_001321484.2); c.227G>T, p.Gly76Val (NM_001321485.2); c.214G>T (NM_001022.3); short protein forms G76V, V72F.
Identifiers: ClinVar variation 803562 (VCV000803562.8), dbSNP rs1600621248, ClinGen allele CA406030058.
Genomic context (GRCh38, chr19:41,869,072, plus strand): 5'-CCTCTCACACTACCCCCAGCTTCCACAGCGCGGCACCTGTACCTCCGGGGTGGCGCTGGG[G>T]TTGGCTCCATGACCAAGATCTATGGGGGACGTCAGAGAAACGGCGTCATGCCCAGCCACT-3'
Protein context (NP_001013.1, residues 62-82): RHLYLRGGAG[Val72Phe]GSMTKIYGGR